The following is an entry in ClinVar:

NM_020911.2(PLXNA4):c.2587-9T>C

Gene: PLXNA4 (plexin A4; minus strand). Cytogenetic location: 7q32.3.
Variant type: single nucleotide variant.
Coding change: c.2587-9T>C on transcript NM_020911.2 (MANE Select); 9 bases into the intron before coding-DNA position 2587, T replaced by C.
Molecular consequence: intron variant.
Genome position (GRCh38, 1-based): chr7:132,198,645, A>G on the plus strand (T>C on the coding strand, the complement: PLXNA4 is on the minus strand). VCF-style: chr7-132198645-A-G. GRCh37 (hg19) VCF-style: chr7-131883404-A-G.
Other names: c.2587-9T>C (NM_001393897.1).
Identifiers: ClinVar variation 3345767 (VCV003345767.1).
Genomic context (GRCh38, chr7:132,198,645, plus strand): 5'-CTCGGATAGTGACCTTGGTGCCCCCTTCCCGGGGGCCTGTCACCGGGATTATCTGGAGGG[A>G]GGAAGAGAAATAATTAGACAAACACCAAGATACTGCCACTCACTTGCTGATGAGGCAAGG-3'

ClinVar aggregate classification (germline): Likely benign (0 of 4 stars; one submission).

Conditions:
PLXNA4-related disorder. Also called: PLXNA4-related condition.

Submission:

PreventionGenetics, part of Exact Sciences
Classification: Likely benign for PLXNA4-related condition. Last evaluated: 2024-08-14. Review status: no assertion criteria provided. Collection method: clinical testing. Allele origin: germline.
Comment: This variant is classified as likely benign based on ACMG/AMP sequence variant interpretation guidelines (Richards et al. 2015 PMID: 25741868, with internal and published modifications).